The following is an entry in ClinVar:

NM_004667.6(HERC2):c.6240C>G (p.Val2080=)

Gene: HERC2 (HECT and RLD domain containing E3 ubiquitin protein ligase 2; minus strand). Cytogenetic location: 15q13.1.
Variant type: single nucleotide variant.
Coding change: c.6240C>G on transcript NM_004667.6 (MANE Select); coding-DNA position 6240, C replaced by G.
Protein change: p.Val2080=; no amino-acid change (valine 2080 retained).
Molecular consequence: synonymous variant.
Genome position (GRCh38, 1-based): chr15:28,214,773, G>C on the plus strand (C>G on the coding strand, the complement: HERC2 is on the minus strand). VCF-style: chr15-28214773-G-C. GRCh37 (hg19) VCF-style: chr15-28459919-G-C.
Identifiers: ClinVar variation 4872943 (VCV004872943.3).
Genomic context (GRCh38, chr15:28,214,773, plus strand): 5'-CAGCTTCTCCACGAGGCATTTCATGTCCCTCGCCCTTTCGGTCTTGTCCCATGATGGAAG[G>C]ACTGCTTGCAACAAATGCACAGCTAAGATCTGATAAAAGAAAATTTATAACGACAAGCAT-3'
Protein context (NP_004658.3, residues 2070-2090): QILAVHLLQA[Val2080=]LPSWDKTERA

ClinVar aggregate classification (germline): Likely benign. Review status: criteria provided, multiple submitters, no conflicts (2 of 4 stars). 2 submissions from 2 submitters: Likely benign (2). Last evaluated 2026-04-01.

gnomAD v4.1: 247 of 1,611,712 alleles (0.015%); highest among the groups gnomAD compares: African/African-American, 0.31%; no homozygotes.

Submissions (2):

CeGaT Center for Human Genetics Tuebingen
Classification: Likely benign. Last evaluated: 2026-04-01. Review status: criteria provided, single submitter. Criteria: CeGaT Center For Human Genetics Tuebingen Variant Classification Criteria Version 2. Collection method: clinical testing. Allele origin: germline. Affected: yes. Observed: 1 variant allele.
Comment: HERC2: BP4, BP7

Blueprint Genetics
Classification: Likely benign. Last evaluated: 2024-10-03. Review status: criteria provided, single submitter. Criteria: ACMG Guidelines, 2015. Collection method: clinical testing. Allele origin: germline.